The following is an entry in ClinVar:

ClinVar aggregate classification (germline): Uncertain significance (1 of 4 stars; one submission).

Conditions:
Wilms tumor 1 (WT1). Also called: Wilms tumor, somatic. Identifiers: Orphanet 654, MedGen CN033288, MONDO:0008679, OMIM 194070.

Submission:

Labcorp Genetics (formerly Invitae), Labcorp
Classification: Uncertain significance for Wilms tumor 1. Last evaluated: 2023-06-27. Review status: criteria provided, single submitter. Criteria: Invitae Variant Classification Sherloc (09022015). Collection method: clinical testing. Allele origin: germline.
Comment: This variant is not present in population databases (gnomAD no frequency). In summary, the available evidence is currently insufficient to determine the role of this variant in disease. Therefore, it has been classified as a Variant of Uncertain Significance. Advanced modeling of protein sequence and biophysical properties (such as structural, functional, and spatial information, amino acid conservation, physicochemical variation, residue mobility, and thermodynamic stability) performed at Invitae indicates that this missense variant is not expected to disrupt GPC3 protein function. This variant has not been reported in the literature in individuals affected with GPC3-related conditions. This sequence change replaces arginine, which is basic and polar, with lysine, which is basic and polar, at codon 258 of the GPC3 protein (p.Arg258Lys).

NM_004484.4(GPC3):c.773G>A (p.Arg258Lys)

Gene: GPC3 (glypican 3; minus strand). Cytogenetic location: Xq26.2.
Variant type: single nucleotide variant.
Coding change: c.773G>A on transcript NM_004484.4 (MANE Select); coding-DNA position 773, G replaced by A.
Protein change: p.Arg258Lys; replaces arginine 258 with lysine.
Molecular consequence: missense variant.
Genome position (GRCh38, 1-based): chrX:133,753,741, C>T on the plus strand (G>A on the coding strand, the complement: GPC3 is on the minus strand). VCF-style: chrX-133753741-C-T. GRCh37 (hg19) VCF-style: chrX-132887768-C-T.
Other names: c.773G>A, p.Arg258Lys (NM_001164617.2); c.725G>A, p.Arg242Lys (NM_001164618.2); c.611G>A, p.Arg204Lys (NM_001164619.2); short protein forms R242K, R258K, R204K.
Identifiers: ClinVar variation 2729948 (VCV002729948.3), dbSNP rs2521355007, ClinGen allele CA414705889.